The following is an entry in ClinVar:

NM_004360.5(CDH1):c.338A>G (p.Lys113Arg)

Gene: CDH1 (cadherin 1; plus strand). Cytogenetic location: 16q22.1.
Variant type: single nucleotide variant.
Coding change: c.338A>G on transcript NM_004360.5 (MANE Select); coding-DNA position 338, A replaced by G.
Protein change: p.Lys113Arg; replaces lysine 113 with arginine.
Molecular consequence: missense variant. On other transcripts: 5 prime UTR variant (2).
Genome position (GRCh38, 1-based): chr16:68,801,844, A>G. VCF-style: chr16-68801844-A-G. GRCh37 (hg19) VCF-style: chr16-68835747-A-G.
Other names: c.338A>G, p.Lys113Arg (NM_001317184.2); c.-1278A>G (NM_001317185.2); c.-1482A>G (NM_001317186.2); short protein forms K113R.
Identifiers: ClinVar variation 5033946 (VCV005033946.1).

ClinVar aggregate classification (germline): Uncertain significance (1 of 4 stars; one submission).

Conditions:
Hereditary cancer-predisposing syndrome. Also called: Neoplastic Syndromes, Hereditary; Tumor predisposition; Hereditary neoplastic syndrome; Hereditary Cancer Syndrome. Identifiers: Orphanet 140162, MedGen C0027672, MeSH D009386, MONDO:0015356.

Submission:

Ambry Genetics
Classification: Uncertain significance for Hereditary cancer-predisposing syndrome. Last evaluated: 2026-07-06. Review status: criteria provided, single submitter. Criteria: Ambry Variant Classification Scheme 2023. Collection method: clinical testing. Allele origin: germline.
Comment: The p.K113R variant (also known as c.338A>G), located in coding exon 3 of the CDH1 gene, results from an A to G substitution at nucleotide position 338. The lysine at codon 113 is replaced by arginine, an amino acid with highly similar properties. This amino acid position is conserved. In addition, this alteration is predicted to be tolerated by in silico analysis. Based on the available evidence, the clinical significance of this variant remains unclear.